The following is an entry in ClinVar:

NC_000004.11:g.(?_56876911)_(56877979_?)del

Gene: CEP135 (centrosomal protein 135; plus strand). Cytogenetic location: 4q12.
Variant type: Deletion.
Identifiers: ClinVar variation 3246757 (VCV003246757.1).

ClinVar aggregate classification (germline): Likely pathogenic (1 of 4 stars; one submission).

Submission:

Labcorp Genetics (formerly Invitae), Labcorp
Classification: Likely pathogenic. Last evaluated: 2023-11-14. Review status: criteria provided, single submitter. Criteria: Invitae Variant Classification Sherloc (09022015). Collection method: clinical testing. Allele origin: unknown.
Comment: This variant results in the deletion of exon 20 and part of exon 21 (c.2506-667_2630del) of the CEP135 gene. It is expected to disrupt RNA splicing. Variants that disrupt the donor or acceptor splice site typically lead to a loss of protein function (PMID: 16199547), and loss-of-function variants in CEP135 are known to be pathogenic (PMID: 22521416, 26657937). This variant has not been reported in the literature in individuals affected with CEP135-related conditions. Experimental studies and prediction algorithms are not available or were not evaluated, and the effect of this variant on mRNA splicing is currently unknown. In summary, the currently available evidence indicates that the variant is pathogenic, but additional data are needed to prove that conclusively. Therefore, this variant has been classified as Likely Pathogenic.

Literature cited by the submitters: PubMed 16199547; PubMed 22521416; PubMed 26657937.